The following is an entry in ClinVar:

NM_005045.4(RELN):c.7700T>G (p.Leu2567Arg)

Gene: RELN (reelin; minus strand). Cytogenetic location: 7q22.1.
Variant type: single nucleotide variant.
Coding change: c.7700T>G on transcript NM_005045.4 (MANE Select); coding-DNA position 7700, T replaced by G.
Protein change: p.Leu2567Arg; replaces leucine 2567 with arginine.
Molecular consequence: missense variant.
Genome position (GRCh38, 1-based): chr7:103,519,485, A>C on the plus strand (T>G on the coding strand, the complement: RELN is on the minus strand). VCF-style: chr7-103519485-A-C. GRCh37 (hg19) VCF-style: chr7-103159932-A-C.
Other names: c.7700T>G, p.Leu2567Arg (NM_173054.3); short protein forms L2567R.
Identifiers: ClinVar variation 1346374 (VCV001346374.8), dbSNP rs2117085948, ClinGen allele CA368765339.
Genomic context (GRCh38, chr7:103,519,485, plus strand): 5'-GGTGTAATCAGGCACCCATACATGAAGTAAAATTGGATGAACTCAGCATTAGTGAGGTTT[A>C]GATCCACAGTGACTAATAATCGACTACAACCCTAAGAAAAAGAAGTAAAATAAAAAAAAG-3'
Protein context (NP_005036.2, residues 2557-2577): GCSRLLVTVD[Leu2567Arg]NLTNAEFIQF

ClinVar aggregate classification (germline): Uncertain significance (1 of 4 stars; one submission).

Conditions:
Norman-Roberts syndrome (LIS2). Also called: Lissencephaly 2 (Norman-Roberts type). Identifiers: Orphanet 89844, MedGen C0796089, MONDO:0009760, OMIM 257320.
Familial temporal lobe epilepsy 7. Identifiers: Orphanet 101046, MedGen C4225327, MONDO:0014639, OMIM 616436.

Submission:

Labcorp Genetics (formerly Invitae), Labcorp
Classification: Uncertain significance for Familial temporal lobe epilepsy 7; Norman-Roberts syndrome. Last evaluated: 2020-12-28. Review status: criteria provided, single submitter. Criteria: Invitae Variant Classification Sherloc (09022015). Collection method: clinical testing. Allele origin: germline.
Comment: This variant is not present in population databases (ExAC no frequency). This sequence change replaces leucine with arginine at codon 2567 of the RELN protein (p.Leu2567Arg). The leucine residue is highly conserved and there is a moderate physicochemical difference between leucine and arginine. In summary, the available evidence is currently insufficient to determine the role of this variant in disease. Therefore, it has been classified as a Variant of Uncertain Significance. Algorithms developed to predict the effect of missense changes on protein structure and function are either unavailable or do not agree on the potential impact of this missense change (SIFT: "Deleterious"; PolyPhen-2: "Probably Damaging"; Align-GVGD: "Class C0"). This variant has not been reported in the literature in individuals with RELN-related conditions.